The following is an entry in ClinVar:

NM_024537.4(CARS2):c.383G>C (p.Arg128Thr)

Gene: CARS2 (cysteinyl-tRNA synthetase 2, mitochondrial; minus strand). Cytogenetic location: 13q34.
Variant type: single nucleotide variant.
Coding change: c.383G>C on transcript NM_024537.4 (MANE Select); coding-DNA position 383, G replaced by C.
Protein change: p.Arg128Thr; replaces arginine 128 with threonine.
Molecular consequence: missense variant. On other transcripts: 5 prime UTR variant (1), non-coding transcript variant (2).
Genome position (GRCh38, 1-based): chr13:110,701,448, C>G on the plus strand (G>C on the coding strand, the complement: CARS2 is on the minus strand). VCF-style: chr13-110701448-C-G. GRCh37 (hg19) VCF-style: chr13-111353795-C-G.
Other names: c.-617G>C (NM_001352252.2); c.383G>C, p.Arg128Thr (NM_001352253.3); short protein forms R128T.
Identifiers: ClinVar variation 1352320 (VCV001352320.5), dbSNP rs1368783369, ClinGen allele CA388740845.

ClinVar aggregate classification (germline): Uncertain significance (1 of 4 stars; one submission).

Conditions:
Combined oxidative phosphorylation defect type 27. Also called: Combined oxidative phosphorylation deficiency 27. Identifiers: Orphanet 477774, MedGen C5567608, MONDO:0014728, OMIM 616672.

Allele frequency attached by ClinVar (database versions not stated): TOPMed below 0.00001.

Submission:

Labcorp Genetics (formerly Invitae), Labcorp
Classification: Uncertain significance for Combined oxidative phosphorylation defect type 27. Last evaluated: 2022-01-11. Review status: criteria provided, single submitter. Criteria: Invitae Variant Classification Sherloc (09022015). Collection method: clinical testing. Allele origin: germline.
Comment: Algorithms developed to predict the effect of missense changes on protein structure and function (SIFT, PolyPhen-2, Align-GVGD) all suggest that this variant is likely to be disruptive. In summary, the available evidence is currently insufficient to determine the role of this variant in disease. Therefore, it has been classified as a Variant of Uncertain Significance. This variant has not been reported in the literature in individuals affected with CARS2-related conditions. This variant is present in population databases (no rsID available, gnomAD 0.0009%). This sequence change replaces arginine, which is basic and polar, with threonine, which is neutral and polar, at codon 128 of the CARS2 protein (p.Arg128Thr).